The following is an entry in ClinVar:

ClinVar aggregate classification (germline): Pathogenic (1 of 4 stars; one submission).

Submission:

CeGaT Center for Human Genetics Tuebingen
Classification: Pathogenic. Last evaluated: 2023-04-01. Review status: criteria provided, single submitter. Criteria: CeGaT Center For Human Genetics Tuebingen Variant Classification Criteria Version 2. Collection method: clinical testing. Allele origin: germline. Affected: yes. Observed: 1 variant allele.
Comment: DENND5A: PVS1, PM2

NM_015213.4(DENND5A):c.612dup (p.Lys205Ter)

Gene: DENND5A (DENN domain containing 5A; minus strand). Cytogenetic location: 11p15.4.
Variant type: Duplication.
Coding change: c.612dup on transcript NM_015213.4 (MANE Select); coding-DNA position 612, one base duplicated (T; older notation c.612dupT).
Protein change: p.Lys205Ter; replaces lysine 205 with a stop codon.
Molecular consequence: nonsense. On other transcripts: frameshift variant (1), non-coding transcript variant (1).
Genome position (GRCh38, 1-based): chr11:9,203,997, A duplicated on the plus strand (T on the coding strand, the reverse complement: DENND5A is on the minus strand). VCF-style (leftmost placement, unchanged base first): chr11-9203996-T-TA. GRCh37 (hg19) VCF-style: chr11-9225543-T-TA.
Other names: c.612dup, p.Lys205Ter (NM_001243254.2); c.612dup, p.Lys205Terfs (NM_001348748.1); c.540dup, p.Lys181Ter (NM_001348749.2); c.324dup, p.Lys109Ter (NM_001348750.2); short protein forms K109*, K181*, K205*.
Identifiers: ClinVar variation 2641593 (VCV002641593.24), dbSNP rs2528281424, ClinGen allele CA2574750620.
Genomic context (GRCh38, chr11:9,203,996, plus strand): 5'-GCTCCAGCACGCTCCGACATGCCTTCATGAAAGACATGGGTGTGATGAGGCAGATGCACT[T>TA]AGAGACGTAGAGAGTGTCCCGGCTAATGTCATAGGAGTTGAAGCGCTGCAGTTTGGTCAC-3'